The following is an entry in ClinVar:

NM_002972.4(SBF1):c.887C>T (p.Thr296Ile)

Gene: SBF1 (SET binding factor 1; minus strand). Cytogenetic location: 22q13.33.
Variant type: single nucleotide variant.
Coding change: c.887C>T on transcript NM_002972.4 (MANE Select); coding-DNA position 887, C replaced by T.
Protein change: p.Thr296Ile; replaces threonine 296 with isoleucine.
Molecular consequence: missense variant.
Genome position (GRCh38, 1-based): chr22:50,466,160, G>A on the plus strand (C>T on the coding strand, the complement: SBF1 is on the minus strand). VCF-style: chr22-50466160-G-A. GRCh37 (hg19) VCF-style: chr22-50904589-G-A.
Other names: c.890C>T, p.Thr297Ile (NM_001365819.1); short protein forms T297I, T296I.
Identifiers: ClinVar variation 1505907 (VCV001505907.6), dbSNP rs757458120, ClinGen allele CA10317929.

ClinVar aggregate classification (germline): Uncertain significance (1 of 4 stars; one submission).

Allele frequency attached by ClinVar (database versions not stated): gnomAD exomes 0.00002; ExAC 0.00001; gnomAD 0.00002.

Submission:

Labcorp Genetics (formerly Invitae), Labcorp
Classification: Uncertain significance. Last evaluated: 2021-10-06. Review status: criteria provided, single submitter. Criteria: Invitae Variant Classification Sherloc (09022015). Collection method: clinical testing. Allele origin: germline.
Comment: In summary, the available evidence is currently insufficient to determine the role of this variant in disease. Therefore, it has been classified as a Variant of Uncertain Significance. Algorithms developed to predict the effect of missense changes on protein structure and function (SIFT, PolyPhen-2, Align-GVGD) all suggest that this variant is likely to be tolerated. This variant has not been reported in the literature in individuals affected with SBF1-related conditions. This variant is present in population databases (rs757458120, ExAC 0.002%). This sequence change replaces threonine with isoleucine at codon 296 of the SBF1 protein (p.Thr296Ile). The threonine residue is moderately conserved and there is a moderate physicochemical difference between threonine and isoleucine.